The following is an entry in ClinVar:

NM_000540.3(RYR1):c.8729C>T (p.Thr2910Met)

Gene: RYR1 (ryanodine receptor 1; plus strand). Cytogenetic location: 19q13.2.
Variant type: single nucleotide variant.
Coding change: c.8729C>T on transcript NM_000540.3 (MANE Select); coding-DNA position 8729, C replaced by T.
Protein change: p.Thr2910Met; replaces threonine 2910 with methionine.
Molecular consequence: missense variant.
Genome position (GRCh38, 1-based): chr19:38,506,865, C>T. VCF-style: chr19-38506865-C-T. GRCh37 (hg19) VCF-style: chr19-38997505-C-T.
Other names: NM_000540.3(RYR1):c.8729C>T; p.(Thr2910Met); NM_001042723.2:c.8729C>T; c.8729C>T, p.Thr2910Met (NM_001042723.2); short protein forms T2910M.
Identifiers: ClinVar variation 1330362 (VCV001330362.8), dbSNP rs1291499059, ClinGen allele CA405680878.
Genomic context (GRCh38, chr19:38,506,865, plus strand): 5'-GATTTCTGGTCTTTGCCTCCCCAGGCGGTGGGACCCACCCCCTGCTGGTCCCCTACGACA[C>T]GCTCACGGCCAAGGAGAAGGCACGAGATCGAGAGAAGGCCCAGGAGCTACTGAAATTCCT-3'
Protein context (NP_000531.2, residues 2900-2920): GTHPLLVPYD[Thr2910Met]LTAKEKARDR

ClinVar aggregate classification (germline): Uncertain significance. Review status: reviewed by expert panel (3 of 4 stars). 2 submissions from 2 submitters: Uncertain significance (1). 1 of the submissions does not count toward it. Last evaluated 2025-08-01.

Conditions:
RYR1-related disorder. Also called: RYR1-related condition; RYR1-related disorders. Identifiers: MedGen CN239331.
Malignant hyperthermia of anesthesia. Also called: Anesthesic-triggered malignant hyperthermia. Identifiers: Orphanet 423, MedGen C0024591, MONDO:0018493, HP:0034733.

Allele frequency attached by ClinVar (database versions not stated): gnomAD exomes below 0.00001.

Submissions (2):

ClinGen Malignant Hyperthermia Susceptibility Variant Curation Expert Panel, ClinGen
Classification: Uncertain significance for Malignant hyperthermia of anesthesia. Last evaluated: 2025-08-01. Review status: reviewed by expert panel. Criteria: ClinGen MHS ACMG Specifications V2. Collection method: curation. Allele origin: germline. Inheritance: Autosomal dominant inheritance.
Comment: This pathogenicity assessment is relevant only for malignant hyperthermia susceptibility (MHS) inherited in an autosomal dominant pattern. Variants in RYR1 can also cause other myopathies inherited in an autosomal dominant pattern or in an autosomal recessive pattern. Some of these disorders may predispose individuals to malignant hyperthermia. RYR1 variants may also contribute to a malignant hyperthermia reaction in combination with other genetic and non-genetic factors and the clinician needs to consider such factors in making management decisions. This sequence variant predicts a substitution of tyrosine with methionine at codon 2910 of the RYR1 protein, p.(Tyr2910Met). This variant was not present in a large population database (gnomAD) at the time this variant was interpreted. This variant has been reported in an individual with a personal or family history of an MH episode and a positive in vitro contracture test (IVCT) or caffeine halothane contracture test (CHCT) result (if the proband was unavailable for testing, a positive diagnostic test result in a mutation-positive relative was counted), PS4_Supporting (PMID:30236257). No functional studies were identified for this variant. This variant does not reside in a hotspot for pathogenic variants that contribute to MHS. A REVEL score of 0.779 supports neither a pathogenic nor a benign status for this variant. This variant has been classified as a Variant of Unknown Significance. Criteria implemented: PS4_Supporting.

Labcorp Genetics (formerly Invitae), Labcorp
Classification: Uncertain significance for RYR1-related disorder. Last evaluated: 2022-02-25. Review status: criteria provided, single submitter. Criteria: Invitae Variant Classification Sherloc (09022015). Collection method: clinical testing. Allele origin: germline. Not counted in ClinVar's aggregate classification.
Comment: In summary, the available evidence is currently insufficient to determine the role of this variant in disease. Therefore, it has been classified as a Variant of Uncertain Significance. Algorithms developed to predict the effect of missense changes on protein structure and function are either unavailable or do not agree on the potential impact of this missense change (SIFT: "Deleterious"; PolyPhen-2: "Possibly Damaging"; Align-GVGD: "Class C0"). ClinVar contains an entry for this variant (Variation ID: 1330362). This variant has not been reported in the literature in individuals affected with RYR1-related conditions. This variant is not present in population databases (gnomAD no frequency). This sequence change replaces threonine, which is neutral and polar, with methionine, which is neutral and non-polar, at codon 2910 of the RYR1 protein (p.Thr2910Met).